The following is an entry in ClinVar:

NM_006302.3(MOGS):c.2458C>T (p.Arg820Cys)

Gene: MOGS (mannosyl-oligosaccharide glucosidase; minus strand). Cytogenetic location: 2p13.1.
Variant type: single nucleotide variant.
Coding change: c.2458C>T on transcript NM_006302.3 (MANE Select); coding-DNA position 2458, C replaced by T.
Protein change: p.Arg820Cys; replaces arginine 820 with cysteine.
Molecular consequence: missense variant.
Genome position (GRCh38, 1-based): chr2:74,461,331, G>A on the plus strand (C>T on the coding strand, the complement: MOGS is on the minus strand). VCF-style: chr2-74461331-G-A. GRCh37 (hg19) VCF-style: chr2-74688458-G-A.
Other names: c.2140C>T, p.Arg714Cys (NM_001146158.2); short protein forms R714C, R820C.
Identifiers: ClinVar variation 2419669 (VCV002419669.4), dbSNP rs370469058, ClinGen allele CA1724577.
Genomic context (GRCh38, chr2:74,461,331, plus strand): 5'-CCCTTCAGTAGTCTTCAGCCATGGCCAGTAAGACAAGGCTGGTCCAGCCGTGGAAAGGGC[G>A]GCAGCCCATGCCTCGCCCATCGCGGTCACTGTACTGCTCCCAAAGAAAGCCTGTAGCCTG-3'
Protein context (NP_006293.2, residues 810-830): SDRDGRGMGC[Arg820Cys]PFHGWTSLVL

ClinVar aggregate classification (germline): Uncertain significance (1 of 4 stars; one submission).

Conditions:
MOGS-congenital disorder of glycosylation. Also called: MOGS-CDG; GLUCOSIDASE I DEFICIENCY; CDG IIb; CDG 2B. Identifiers: Orphanet 79330, MedGen C1853736, MONDO:0011629, OMIM 606056.

Allele frequency attached by ClinVar (database versions not stated): gnomAD 0.00001; gnomAD exomes 0.00001; TOPMed 0.00002; ExAC 0.00003; ESP Exome Variant Server 0.00008.
gnomAD v4.1: 23 of 1,613,972 alleles (0.0014%); highest among the groups gnomAD compares: East Asian, 0.0022%; no homozygotes.

Submission:

Labcorp Genetics (formerly Invitae), Labcorp
Classification: Uncertain significance for MOGS-congenital disorder of glycosylation. Last evaluated: 2022-05-27. Review status: criteria provided, single submitter. Criteria: Invitae Variant Classification Sherloc (09022015). Collection method: clinical testing. Allele origin: germline.
Comment: In summary, the available evidence is currently insufficient to determine the role of this variant in disease. Therefore, it has been classified as a Variant of Uncertain Significance. Algorithms developed to predict the effect of missense changes on protein structure and function are either unavailable or do not agree on the potential impact of this missense change (SIFT: "Tolerated"; PolyPhen-2: "Probably Damaging"; Align-GVGD: "Class C15"). This variant has not been reported in the literature in individuals affected with MOGS-related conditions. This variant is present in population databases (rs370469058, gnomAD 0.004%). This sequence change replaces arginine, which is basic and polar, with cysteine, which is neutral and slightly polar, at codon 820 of the MOGS protein (p.Arg820Cys).